The following is an entry in ClinVar:

ClinVar aggregate classification (germline): Uncertain significance (1 of 4 stars; one submission).

Conditions:
Hereditary cancer-predisposing syndrome. Also called: Neoplastic Syndromes, Hereditary; Hereditary neoplastic syndrome; Tumor predisposition; Hereditary Cancer Syndrome. Identifiers: Orphanet 140162, MedGen C0027672, MeSH D009386, MONDO:0015356.

Submission:

Ambry Genetics
Classification: Uncertain significance for Hereditary cancer-predisposing syndrome. Last evaluated: 2023-02-15. Review status: criteria provided, single submitter. Criteria: Ambry Variant Classification Scheme 2023. Collection method: clinical testing. Allele origin: germline.
Comment: The p.A6T variant (also known as c.16G>A), located in coding exon 1 of the NF2 gene, results from a G to A substitution at nucleotide position 16. The alanine at codon 6 is replaced by threonine, an amino acid with similar properties. This amino acid position is conserved. In addition, the in silico prediction for this alteration is inconclusive. Since supporting evidence is limited at this time, the clinical significance of this alteration remains unclear.

NM_000268.4(NF2):c.16G>A (p.Ala6Thr)

Gene: NF2 (NF2, moesin-ezrin-radixin like (MERLIN) tumor suppressor; plus strand). Cytogenetic location: 22q12.2.
Variant type: single nucleotide variant.
Coding change: c.16G>A on transcript NM_000268.4 (MANE Select); coding-DNA position 16, G replaced by A.
Protein change: p.Ala6Thr; replaces alanine 6 with threonine.
Molecular consequence: missense variant. On other transcripts: 5 prime UTR variant (4), non-coding transcript variant (1).
Genome position (GRCh38, 1-based): chr22:29,604,014, G>A. VCF-style: chr22-29604014-G-A. GRCh37 (hg19) VCF-style: chr22-30000003-G-A.
Other names: c.-215G>A (NM_001407053.1, NM_001407056.1); c.16G>A, p.Ala6Thr (NM_001407054.1, NM_001407055.1, NM_001407057.1 and 15 more transcripts); c.-625G>A (NM_001407065.1); c.-241G>A (NM_001407067.1); short protein forms A6T.
Identifiers: ClinVar variation 2453839 (VCV002453839.2), dbSNP rs1601515753, ClinGen allele CA411145751.